The following is an entry in ClinVar:

NM_001768.7(CD8A):c.331G>A (p.Gly111Ser)

Gene: CD8A (CD8 subunit alpha; minus strand). Cytogenetic location: 2p11.2.
Variant type: single nucleotide variant.
Coding change: c.331G>A on transcript NM_001768.7 (MANE Select); coding-DNA position 331, G replaced by A.
Protein change: p.Gly111Ser; replaces glycine 111 with serine.
Molecular consequence: missense variant. On other transcripts: non-coding transcript variant (3).
Genome position (GRCh38, 1-based): chr2:86,790,400, C>T on the plus strand (G>A on the coding strand, the complement: CD8A is on the minus strand). VCF-style: chr2-86790400-C-T. GRCh37 (hg19) VCF-style: chr2-87017523-C-T.
Other names: G90S; c.331G>A, p.Gly111Ser (NM_001145873.1, NM_001382698.1, NM_171827.4); short protein forms G111S.
Identifiers: ClinVar variation 12742 (VCV000012742.10), dbSNP rs121918660, ClinGen allele CA122671.
Genomic context (GRCh38, chr2:86,790,400, plus strand): 5'-CCGGCACGAAGTGGCTGAAGTACATGATGGAGTTGCTCAGGGCCGAGCAGAAATAGTAGC[C>T]CTCGTTCTCTCGGCGGAAGTCGCTCAGGGTGAGGACGAAGGTGTCCCCCAACCTCTTGCC-3'
Protein context (NP_001759.3, residues 101-121): TLSDFRRENE[Gly111Ser]YYFCSALSNS

ClinVar aggregate classification (germline): Pathogenic. Review status: criteria provided, single submitter (1 of 4 stars). 2 submissions from 2 submitters: Pathogenic (1). 1 of the submissions does not count toward it. Last evaluated 2021-07-15.

Conditions:
Susceptibility to respiratory infections associated with CD8alpha chain mutation (IMD116). Also called: IMMUNODEFICIENCY 116; Cd8 deficiency, familial. Identifiers: Orphanet 169085, MedGen C1837065, MONDO:0012161, OMIM 608957.

Allele frequency attached by ClinVar (database versions not stated): gnomAD exomes below 0.00001 and 0.00001; TOPMed below 0.00001; ExAC 0.00001; gnomAD 0.00001.
gnomAD v4.1: 2 of 1,614,024 alleles (0.00012%); highest among the groups gnomAD compares: Non-Finnish European, 0.00017%; no homozygotes.

Submissions (2):

Labcorp Genetics (formerly Invitae), Labcorp
Classification: Pathogenic for Susceptibility to respiratory infections associated with CD8alpha chain mutation. Last evaluated: 2021-07-15. Review status: criteria provided, single submitter. Criteria: Invitae Variant Classification Sherloc (09022015). Collection method: clinical testing. Allele origin: germline.
Comment: This sequence change replaces glycine with serine at codon 111 of the CD8A protein (p.Gly111Ser). The glycine residue is highly conserved and there is a small physicochemical difference between glycine and serine. This variant is present in population databases (rs121918660, ExAC no frequency). This variant has been observed in individual(s) with CD8 deficiency (PMID: 11435463, 17658607, 26563160). It is commonly reported in individuals of Spanish Gypsy ancestry (PMID: 17658607). This variant is also known as p.Gly90Ser. ClinVar contains an entry for this variant (Variation ID: 12742). For these reasons, this variant has been classified as Pathogenic. Experimental studies have shown that this variant affects CD8A protein function (PMID: 21546492). Algorithms developed to predict the effect of missense changes on protein structure and function (SIFT, PolyPhen-2, Align-GVGD) all suggest that this variant is likely to be disruptive.

OMIM
Classification: Pathogenic for IMMUNODEFICIENCY 116. Last evaluated: 2008-01-01. Review status: no assertion criteria provided. Collection method: literature only. Allele origin: germline. Not counted in ClinVar's aggregate classification.

Literature cited by the submitters: PubMed 11435463 (cited by Labcorp Genetics (formerly Invitae), Labcorp and OMIM); PubMed 17658607 (cited by Labcorp Genetics (formerly Invitae), Labcorp and OMIM); PubMed 26563160 (cited by Labcorp Genetics (formerly Invitae), Labcorp and OMIM); PubMed 21546492 (cited by Labcorp Genetics (formerly Invitae), Labcorp).